The following is an entry in ClinVar:

NM_001042492.3(NF1):c.1762C>A (p.His588Asn)

Gene: NF1 (neurofibromin 1; plus strand). Cytogenetic location: 17q11.2.
Variant type: single nucleotide variant.
Coding change: c.1762C>A on transcript NM_001042492.3 (MANE Select); coding-DNA position 1762, C replaced by A.
Protein change: p.His588Asn; replaces histidine 588 with asparagine.
Molecular consequence: missense variant.
Genome position (GRCh38, 1-based): chr17:31,223,484, C>A. VCF-style: chr17-31223484-C-A. GRCh37 (hg19) VCF-style: chr17-29550502-C-A.
Other names: c.1762C>A, p.His588Asn (NM_000267.4); short protein forms H588N.
Identifiers: ClinVar variation 1004034 (VCV001004034.5), dbSNP rs2066962798, ClinGen allele CA399004188.

ClinVar aggregate classification (germline): Uncertain significance (1 of 4 stars; one submission).

Conditions:
Neurofibromatosis, type 1 (NF1). Also called: NEUROFIBROMATOSIS, TYPE I, SOMATIC; Peripheral type neurofibromatosis; VON RECKLINGHAUSEN DISEASE; Neurofibromatosis, type I. Identifiers: Orphanet 636, MedGen C0027831, MONDO:0018975, OMIM 162200. Disease mechanism: loss of function.

Submission:

Labcorp Genetics (formerly Invitae), Labcorp
Classification: Uncertain significance for Neurofibromatosis, type 1. Last evaluated: 2020-06-01. Review status: criteria provided, single submitter. Criteria: Invitae Variant Classification Sherloc (09022015). Collection method: clinical testing. Allele origin: germline.
Comment: This sequence change replaces histidine with asparagine at codon 588 of the NF1 protein (p.His588Asn). The histidine residue is moderately conserved and there is a small physicochemical difference between histidine and asparagine. This variant is not present in population databases (ExAC no frequency). This variant has not been reported in the literature in individuals with NF1-related conditions. Algorithms developed to predict the effect of missense changes on protein structure and function (SIFT, PolyPhen-2, Align-GVGD) all suggest that this variant is likely to be tolerated, but these predictions have not been confirmed by published functional studies and their clinical significance is uncertain. In summary, the available evidence is currently insufficient to determine the role of this variant in disease. Therefore, it has been classified as a Variant of Uncertain Significance.